The following is an entry in ClinVar:

NM_018668.5(VPS33B):c.1726T>C (p.Cys576Arg)

Gene: VPS33B (VPS33B late endosome and lysosome associated; minus strand). Cytogenetic location: 15q26.1.
Variant type: single nucleotide variant.
Coding change: c.1726T>C on transcript NM_018668.5 (MANE Select); coding-DNA position 1726, T replaced by C.
Protein change: p.Cys576Arg; replaces cysteine 576 with arginine.
Molecular consequence: missense variant.
Genome position (GRCh38, 1-based): chr15:90,999,725, A>G on the plus strand (T>C on the coding strand, the complement: VPS33B is on the minus strand). VCF-style: chr15-90999725-A-G. GRCh37 (hg19) VCF-style: chr15-91542955-A-G.
Other names: c.1645T>C, p.Cys549Arg (NM_001289148.1); c.1453T>C, p.Cys485Arg (NM_001289149.1); short protein forms C576R, C485R, C549R.
Identifiers: ClinVar variation 694284 (VCV000694284.4), dbSNP rs1596348299, ClinGen allele CA393884656.

ClinVar aggregate classification (germline): Pathogenic (0 of 4 stars; one submission).

Conditions:
Cholestasis, progressive familial intrahepatic, 12 (PFIC12). Also called: CHOLESTASIS, ISOLATED LOW-GGT. Identifiers: MedGen C5774311, MONDO:0031040, OMIM 620010.

Submissions (2):

OMIM
Classification: Pathogenic for CHOLESTASIS, PROGRESSIVE FAMILIAL INTRAHEPATIC, 12. Last evaluated: 2022-08-18. Review status: no assertion criteria provided. Collection method: literature only. Allele origin: germline.

Jianshe Wang Lab, Department of Pediatrics, Jinshan Hospital of Fudan University
No classification provided (evidence only). Condition: Arthrogryposis, renal dysfunction, and cholestasis 1. Last evaluated: 2018-10-25. Review status: no classification provided. Collection method: in vitro. Allele origin: not applicable. Inheritance: Autosomal recessive inheritance. Functional consequence: Decreased function. Not counted in ClinVar's aggregate classification.
Comment: The missense VPS33B variant c.1726T>C, p. Cys576Arg has been founded in three Chinese patients presenting isolated low gamma-glutamyltransferase cholestasis without other two major characteristics of typical arthrogryposis, renal dysfunction and cholestasis (ARC) syndrome. Besides, in-vitro study revealed that the Cys576Arg variant reduced the protein expression and disrupted the interaction between VIPAS39.

"Pathogenic" was previously submitted as the classification for the variant. However, the classification appeared to be based only on an observation of functional data so it was converted to no classification on 2025-07-30.

Literature cited by the submitters: PubMed 31479177 (cited by OMIM and Jianshe Wang Lab, Department of Pediatrics, Jinshan Hospital of Fudan University).